The following is an entry in ClinVar:

NM_001197104.2(KMT2A):c.8414_8418dup (p.Leu2807fs)

Gene: KMT2A (lysine methyltransferase 2A; plus strand). Cytogenetic location: 11q23.3.
Variant type: Microsatellite.
Coding change: c.8414_8418dup on transcript NM_001197104.2 (MANE Select); coding-DNA positions 8414 to 8418, 5 bases duplicated (GCTCA; older notation c.8414_8418dupGCTCA).
Protein change: p.Leu2807fs; shifts the reading frame from leucine 2807.
Molecular consequence: frameshift variant.
Genome position (GRCh38, 1-based): chr11:118,504,306-118,504,310, GCTCA duplicated; duplicating any 5 consecutive bases within chr11:118,504,295-118,504,310 gives the same sequence; the c. name uses the placement nearest the transcript's 3' end. VCF-style (leftmost placement, unchanged base first): chr11-118504294-A-AAGCTC. GRCh37 (hg19) VCF-style: chr11-118375009-A-AAGCTC.
Other names: c.8504_8508dup, p.Leu2837fs (NM_001412597.1); c.8405_8409dup, p.Leu2804fs (NM_005933.4); short protein forms L2804fs, L2807fs, L2837fs.
Identifiers: ClinVar variation 4854611 (VCV004854611.1).

ClinVar aggregate classification (germline): Likely pathogenic (1 of 4 stars; one submission).

Conditions:
Wiedemann-Steiner syndrome (WDSTS). Also called: Growth deficiency and mental retardation with facial dysmorphism. Identifiers: Orphanet 319182, MedGen C1854630, MONDO:0011518, OMIM 605130.

Submission:

3billion
Classification: Likely pathogenic for Wiedemann-Steiner syndrome. Last evaluated: 2025-06-18. Review status: criteria provided, single submitter. Criteria: ACMG Guidelines, 2015. Collection method: clinical testing. Allele origin: germline. Affected: yes.
Comment: The variant is not observed in the gnomAD v4.1.0 dataset. Predicted Consequence/Location: Frameshift: predicted to result in a loss or disruption of normal protein function through nonsense-mediated decay (NMD) or protein truncation. Multiple pathogenic variants are reported downstream of the variant. Therefore, this variant is classified as Likely pathogenic according to the recommendation of ACMG/AMP guideline.